The following is an entry in ClinVar:

ClinVar aggregate classification (germline): Conflicting classifications of pathogenicity. Review status: criteria provided, conflicting classifications (1 of 4 stars). 2 submissions from 2 submitters: Uncertain significance (1); Likely benign (1). Last evaluated 2022-08-21.

Allele frequency attached by ClinVar (database versions not stated): gnomAD 0.00001; TOPMed 0.00001.

Submissions (2):

Labcorp Genetics (formerly Invitae), Labcorp
Classification: Uncertain significance. Last evaluated: 2022-08-21. Review status: criteria provided, single submitter. Criteria: Invitae Variant Classification Sherloc (09022015). Collection method: clinical testing. Allele origin: germline.
Comment: In summary, the available evidence is currently insufficient to determine the role of this variant in disease. Therefore, it has been classified as a Variant of Uncertain Significance. Algorithms developed to predict the effect of missense changes on protein structure and function are either unavailable or do not agree on the potential impact of this missense change (SIFT: "Deleterious"; PolyPhen-2: "Probably Damaging"; Align-GVGD: "Class C0"). This variant has not been reported in the literature in individuals affected with AUTS2-related conditions. This variant is present in population databases (rs772682261, gnomAD 0.003%). This sequence change replaces arginine, which is basic and polar, with cysteine, which is neutral and slightly polar, at codon 156 of the AUTS2 protein (p.Arg156Cys).

Blueprint Genetics
Classification: Likely benign. Last evaluated: 2021-01-05. Review status: criteria provided, single submitter. Criteria: ACMG Guidelines, 2015. Collection method: clinical testing. Allele origin: germline.

NM_015570.4(AUTS2):c.466C>T (p.Arg156Cys)

Gene: AUTS2 (activator of transcription and developmental regulator AUTS2; plus strand). Cytogenetic location: 7q11.22.
Variant type: single nucleotide variant.
Coding change: c.466C>T on transcript NM_015570.4 (MANE Select); coding-DNA position 466, C replaced by T.
Protein change: p.Arg156Cys; replaces arginine 156 with cysteine.
Molecular consequence: missense variant.
Genome position (GRCh38, 1-based): chr7:69,899,442, C>T. VCF-style: chr7-69899442-C-T. GRCh37 (hg19) VCF-style: chr7-69364428-C-T.
Other names: c.466C>T, p.Arg156Cys (NM_001127231.3, NM_001127232.3); short protein forms R156C.
Identifiers: ClinVar variation 2066611 (VCV002066611.5), dbSNP rs772682261, ClinGen allele CA4280306.
Genomic context (GRCh38, chr7:69,899,442, plus strand): 5'-CATTCAAAGAAGAGCAGACTCAGCCACCCACACCACTACAGCTCAGATCGAGAAAATGAC[C>T]GCAATCTCTGCCAGCACCTTGGGAAGAGAAAGAAAATGCCGAAGGCACTCAGACAGGTGA-3'
Protein context (NP_056385.1, residues 146-166): HHYSSDREND[Arg156Cys]NLCQHLGKRK